The following is an entry in ClinVar:

ClinVar aggregate classification (germline): Uncertain significance (1 of 4 stars; one submission).

Conditions:
Primary ciliary dyskinesia. Also called: Ciliary dyskinesia. Identifiers: Orphanet 244, MedGen C0008780, MONDO:0016575, HP:0012265.

Submission:

Labcorp Genetics (formerly Invitae), Labcorp
Classification: Uncertain significance for Primary ciliary dyskinesia. Last evaluated: 2021-06-25. Review status: criteria provided, single submitter. Criteria: Invitae Variant Classification Sherloc (09022015). Collection method: clinical testing. Allele origin: germline.
Comment: This sequence change replaces serine with threonine at codon 133 of the CCDC40 protein (p.Ser133Thr). The serine residue is weakly conserved and there is a small physicochemical difference between serine and threonine. This variant is present in population databases (rs769499619, ExAC 0.01%). This variant has not been reported in the literature in individuals with CCDC40-related conditions. Algorithms developed to predict the effect of missense changes on protein structure and function (SIFT, PolyPhen-2, Align-GVGD) all suggest that this variant is likely to be tolerated, but these predictions have not been confirmed by published functional studies and their clinical significance is uncertain. In summary, the available evidence is currently insufficient to determine the role of this variant in disease. Therefore, it has been classified as a Variant of Uncertain Significance.

NM_017950.4(CCDC40):c.398G>C (p.Ser133Thr)

Gene: CCDC40 (coiled-coil domain 40 molecular ruler complex subunit; plus strand). Cytogenetic location: 17q25.3.
Variant type: single nucleotide variant.
Coding change: c.398G>C on transcript NM_017950.4 (MANE Select); coding-DNA position 398, G replaced by C.
Protein change: p.Ser133Thr; replaces serine 133 with threonine.
Molecular consequence: missense variant.
Genome position (GRCh38, 1-based): chr17:80,040,116, G>C. VCF-style: chr17-80040116-G-C. GRCh37 (hg19) VCF-style: chr17-78013915-G-C.
Other names: c.398G>C, p.Ser133Thr (NM_001243342.2, NM_001330508.2); short protein forms S133T.
Identifiers: ClinVar variation 1363418 (VCV001363418.8), dbSNP rs769499619, ClinGen allele CA8813431.